The following is an entry in ClinVar:

ClinVar aggregate classification (germline): Uncertain significance (1 of 4 stars; one submission).

gnomAD v4.1: 1 of 1,211,540 alleles (0.000083%); highest among the groups gnomAD compares: Admixed American, 0.0022%; no homozygotes.

Submission:

GeneDx
Classification: Uncertain significance. Last evaluated: 2024-09-27. Review status: criteria provided, single submitter. Criteria: GeneDx Variant Classification Process June 2021. Collection method: clinical testing. Allele origin: germline. Affected: yes.
Comment: Has not been previously published as pathogenic or benign to our knowledge; Not observed at a significant frequency in large population cohorts (gnomAD); In silico analysis supports that this missense variant has a deleterious effect on protein structure/function; This variant is associated with the following publications: (PMID: 25641508)

NM_001278116.2(L1CAM):c.780G>T (p.Leu260Phe)

Gene: L1CAM (L1 cell adhesion molecule; minus strand). Cytogenetic location: Xq28.
Variant type: single nucleotide variant.
Coding change: c.780G>T on transcript NM_001278116.2 (MANE Select); coding-DNA position 780, G replaced by T.
Protein change: p.Leu260Phe; replaces leucine 260 with phenylalanine.
Molecular consequence: missense variant.
Genome position (GRCh38, 1-based): chrX:153,870,414, C>A on the plus strand (G>T on the coding strand, the complement: L1CAM is on the minus strand). VCF-style: chrX-153870414-C-A. GRCh37 (hg19) VCF-style: chrX-153135869-C-A.
Other names: c.780G>T, p.Leu260Phe (NM_000425.5, NM_024003.3); c.765G>T, p.Leu255Phe (NM_001143963.2); short protein forms L255F, L260F.
Identifiers: ClinVar variation 3774971 (VCV003774971.1).